The following is an entry in ClinVar:

ClinVar aggregate classification (germline): Uncertain significance (1 of 4 stars; one submission).

gnomAD v4.1: 31 of 1,613,506 alleles (0.0019%); highest among the groups gnomAD compares: South Asian, 0.0055%; no homozygotes.

Submission:

Labcorp Genetics (formerly Invitae), Labcorp
Classification: Uncertain significance. Last evaluated: 2025-04-08. Review status: criteria provided, single submitter. Criteria: Invitae Variant Classification Sherloc (09022015). Collection method: clinical testing. Allele origin: germline.
Comment: This sequence change replaces arginine, which is basic and polar, with histidine, which is basic and polar, at codon 421 of the ZNF687 protein (p.Arg421His). This variant is present in population databases (rs778496281, gnomAD 0.01%). This variant has not been reported in the literature in individuals affected with ZNF687-related conditions. An algorithm developed to predict the effect of missense changes on protein structure and function (PolyPhen-2) suggests that this variant is likely to be disruptive. In summary, the available evidence is currently insufficient to determine the role of this variant in disease. Therefore, it has been classified as a Variant of Uncertain Significance.

NM_020832.3(ZNF687):c.1262G>A (p.Arg421His)

Gene: ZNF687 (zinc finger protein 687; plus strand). Cytogenetic location: 1q21.3.
Variant type: single nucleotide variant.
Coding change: c.1262G>A on transcript NM_020832.3 (MANE Select); coding-DNA position 1262, G replaced by A.
Protein change: p.Arg421His; replaces arginine 421 with histidine.
Molecular consequence: missense variant.
Genome position (GRCh38, 1-based): chr1:151,287,553, G>A. VCF-style: chr1-151287553-G-A. GRCh37 (hg19) VCF-style: chr1-151260029-G-A.
Other names: c.1262G>A, p.Arg421His (NM_001304763.2, NM_001304764.2); short protein forms R421H.
Identifiers: ClinVar variation 4699416 (VCV004699416.1).
Genomic context (GRCh38, chr1:151,287,553, plus strand): 5'-TGCCTGTGGCCACCATCCAGAACGCCAGTACTGCCATGCTGATGGCAGCCAGTGTGGCTC[G>A]CAAGGCTGTGGTGCTGCCTGGGGGGACTGCCACCAGCCCTAAGATGATTGCTAAGAACGT-3'
Protein context (NP_065883.1, residues 411-431): TAMLMAASVA[Arg421His]KAVVLPGGTA